The following is an entry in ClinVar:

NM_000276.4(OCRL):c.111del (p.Gln38fs)

Gene: OCRL (OCRL inositol polyphosphate-5-phosphatase; plus strand). Cytogenetic location: Xq26.1.
Variant type: Deletion.
Coding change: c.111del on transcript NM_000276.4 (MANE Select); coding-DNA position 111, one base deleted (G; older notation c.111delG).
Protein change: p.Gln38fs; shifts the reading frame from glutamine 38.
Molecular consequence: frameshift variant.
Genome position (GRCh38, 1-based): chrX:129,540,815, G deleted; the last of 3 consecutive G bases (chrX:129,540,813-129,540,815); deleting any one gives the same sequence. VCF-style (leftmost placement, unchanged base first): chrX-129540812-CG-C. GRCh37 (hg19) VCF-style: chrX-128674789-CG-C.
Other names: NM_001587.4:c.111del; c.114del, p.Gln39fs (NM_001318784.2); c.111del, p.Gln38fs (NM_001587.4); short protein forms Q38fs, Q39fs.
Identifiers: ClinVar variation 2500926 (VCV002500926.1), dbSNP rs2521838949, ClinGen allele CA2579916432.

ClinVar aggregate classification (germline): Likely pathogenic (1 of 4 stars; one submission).

Conditions:
Dent disease type 2. Identifiers: Orphanet 1652, Orphanet 93623, MedGen C1845167, MONDO:0010359, OMIM 300555.

Submission:

Broad Center for Mendelian Genomics, Broad Institute of MIT and Harvard
Classification: Likely pathogenic for Dent disease type 2. Last evaluated: 2023-05-02. Review status: criteria provided, single submitter. Criteria: ACMG Guidelines, 2015. Collection method: curation. Allele origin: germline. Inheritance: X-linked inheritance.
Comment: The hemizygous p.Gln38AsnfsTer4 variant in OCRL was identified by our study in two half-siblings from one family with Dent disease. The p.Gln38AsnfsTer4 variant in OCRL has not been previously reported in individuals with Dent disease 2. This variant was absent from large population studies. This variant is predicted to cause a frameshift, which alters the protein‚Äôs amino acid sequence beginning at position 38 and leads to a premature termination codon 4 amino acids downstream. This alteration is then predicted to lead to a truncated or absent protein. Loss of function of the OCRL gene is an established disease mechanism in X-linked Dent disease 2. In summary, although additional studies are required to fully establish its clinical significance, this variant is likely pathogenic for X-linked Dent disease 2. ACMG/AMP Criteria applied: PVS1, PM2_Supporting (Richards 2015).